The following is an entry in ClinVar:

ClinVar aggregate classification (germline): Conflicting classifications of pathogenicity. Review status: criteria provided, conflicting classifications (1 of 4 stars). 3 submissions from 3 submitters: Uncertain significance (2); Likely benign (1). Last evaluated 2025-06-10.

Conditions:
Familial cancer of breast. Also called: BREAST CANCER, FAMILIAL; Hereditary breast cancer; hereditary breast carcinoma. Identifiers: Orphanet 227535, MedGen C0346153, MONDO:0016419, OMIM 114480. Disease mechanism: loss of function.
Hereditary cancer-predisposing syndrome. Also called: Tumor predisposition; Hereditary Cancer Syndrome; Hereditary neoplastic syndrome; Neoplastic Syndromes, Hereditary. Identifiers: Orphanet 140162, MedGen C0027672, MeSH D009386, MONDO:0015356.

Allele frequency attached by ClinVar (database versions not stated): gnomAD exomes below 0.00001.
gnomAD v4.1: 2 of 1,597,742 alleles (0.00013%); highest among the groups gnomAD compares: South Asian, 0.0011%; no homozygotes.

Submissions (3):

Labcorp Genetics (formerly Invitae), Labcorp
Classification: Uncertain significance for Familial cancer of breast. Last evaluated: 2025-06-10. Review status: criteria provided, single submitter. Criteria: Invitae Variant Classification Sherloc (09022015). Collection method: clinical testing. Allele origin: germline.
Comment: This sequence change replaces alanine, which is neutral and non-polar, with threonine, which is neutral and polar, at codon 215 of the CHEK2 protein (p.Ala215Thr). This variant is not present in population databases (gnomAD no frequency). This variant has not been reported in the literature in individuals affected with CHEK2-related conditions. ClinVar contains an entry for this variant (Variation ID: 410045). An algorithm developed to predict the effect of missense changes on protein structure and function (PolyPhen-2) suggests that this variant is likely to be tolerated. In summary, the available evidence is currently insufficient to determine the role of this variant in disease. Therefore, it has been classified as a Variant of Uncertain Significance.

Ambry Genetics
Classification: Likely benign for Hereditary cancer-predisposing syndrome. Last evaluated: 2024-12-12. Review status: criteria provided, single submitter. Criteria: Ambry Variant Classification Scheme 2023. Collection method: clinical testing. Allele origin: germline.

Sema4
Classification: Uncertain significance for Hereditary cancer-predisposing syndrome. Last evaluated: 2021-08-03. Review status: criteria provided, single submitter. Criteria: Sema4 Curation Guidelines. Collection method: curation. Allele origin: germline.
Comment: The CHEK2 c.643G>A (p.A215T) variant has not been reported in the literature to our knowledge. It was not observed in the large and broad cohorts of the Genome Aggregation Database (PMID: 32461654). The variant has been reported in ClinVar (Variation ID 410045). In silico tools suggest the impact of the variant on protein function is benign, though these predictions have not been confirmed by functional studies. The evidence is insufficient to meet ACMG/AMP criteria for classifying the variant as benign or pathogenic. Thus, the clinical significance of this variant is currently uncertain.

NM_007194.4(CHEK2):c.643G>A (p.Ala215Thr)

Gene: CHEK2 (checkpoint kinase 2; minus strand). Cytogenetic location: 22q12.1.
Variant type: single nucleotide variant.
Coding change: c.643G>A on transcript NM_007194.4 (MANE Select); coding-DNA position 643, G replaced by A.
Protein change: p.Ala215Thr; replaces alanine 215 with threonine.
Molecular consequence: missense variant. On other transcripts: 5 prime UTR variant (2), intron variant (1).
Genome position (GRCh38, 1-based): chr22:28,719,435, C>T on the plus strand (G>A on the coding strand, the complement: CHEK2 is on the minus strand). VCF-style: chr22-28719435-C-T. GRCh37 (hg19) VCF-style: chr22-29115423-C-T.
Other names: c.772G>A, p.Ala258Thr (NM_001005735.3, NM_001438294.1); c.-21G>A (NM_001257387.3, NM_001437942.1); c.736G>A, p.Ala246Thr (NM_001438293.1, NM_001438295.1); c.643G>A, p.Ala215Thr (NM_145862.3); c.482+5451G>A (NM_001349956.3); short protein forms A215T, A258T, A246T.
Identifiers: ClinVar variation 410045 (VCV000410045.11), dbSNP rs1060502708, ClinGen allele CA16616569.